The following is an entry in ClinVar:

NM_003079.5(SMARCE1):c.1109G>A (p.Gly370Glu)

Gene: SMARCE1 (SWI/SNF related BAF chromatin remodeling complex subunit E1; minus strand). Cytogenetic location: 17q21.2.
Variant type: single nucleotide variant.
Coding change: c.1109G>A on transcript NM_003079.5 (MANE Select); coding-DNA position 1109, G replaced by A.
Protein change: p.Gly370Glu; replaces glycine 370 with glutamic acid.
Molecular consequence: missense variant.
Genome position (GRCh38, 1-based): chr17:40,628,912, C>T on the plus strand (G>A on the coding strand, the complement: SMARCE1 is on the minus strand). VCF-style: chr17-40628912-C-T. GRCh37 (hg19) VCF-style: chr17-38785164-C-T.
Other names: c.1109G>A (NM_003079.4); short protein forms G370E.
Identifiers: ClinVar variation 1418444 (VCV001418444.8), dbSNP rs2037062100, ClinGen allele CA399361370.

ClinVar aggregate classification (germline): Conflicting classifications of pathogenicity. Review status: criteria provided, conflicting classifications (1 of 4 stars). 2 submissions from 2 submitters: Uncertain significance (1); Likely benign (1). Last evaluated 2025-08-24.

Conditions:
Familial meningioma. Also called: Meningioma, familial, susceptibility to. Identifiers: Orphanet 263662, MedGen C3551915, MONDO:0011789, OMIM 607174.
Hereditary cancer-predisposing syndrome. Also called: Hereditary Cancer Syndrome; Tumor predisposition; Hereditary neoplastic syndrome; Neoplastic Syndromes, Hereditary. Identifiers: Orphanet 140162, MedGen C0027672, MeSH D009386, MONDO:0015356.

Allele frequency attached by ClinVar (database versions not stated): gnomAD exomes below 0.00001; TOPMed 0.00001.
gnomAD v4.1: 2 of 1,613,794 alleles (0.00012%); highest among the groups gnomAD compares: South Asian, 0.0011%; no homozygotes.

Submissions (2):

Labcorp Genetics (formerly Invitae), Labcorp
Classification: Uncertain significance for Familial meningioma. Last evaluated: 2025-08-24. Review status: criteria provided, single submitter. Criteria: Invitae Variant Classification Sherloc (09022015). Collection method: clinical testing. Allele origin: germline.
Comment: This sequence change replaces glycine, which is neutral and non-polar, with glutamic acid, which is acidic and polar, at codon 370 of the SMARCE1 protein (p.Gly370Glu). This variant is not present in population databases (gnomAD no frequency). This variant has not been reported in the literature in individuals affected with SMARCE1-related conditions. ClinVar contains an entry for this variant (Variation ID: 1418444). Invitae Evidence Modeling of protein sequence and biophysical properties (such as structural, functional, and spatial information, amino acid conservation, physicochemical variation, residue mobility, and thermodynamic stability) indicates that this missense variant is not expected to disrupt SMARCE1 protein function with a negative predictive value of 80%. In summary, the available evidence is currently insufficient to determine the role of this variant in disease. Therefore, it has been classified as a Variant of Uncertain Significance.

Ambry Genetics
Classification: Likely benign for Hereditary cancer-predisposing syndrome. Last evaluated: 2025-01-16. Review status: criteria provided, single submitter. Criteria: Ambry Variant Classification Scheme 2023. Collection method: clinical testing. Allele origin: germline.